The following is an entry in ClinVar:

NM_021942.6(TRAPPC11):c.2173del (p.Arg725fs)

Gene: TRAPPC11 (trafficking protein particle complex subunit 11; plus strand). Cytogenetic location: 4q35.1.
Variant type: Deletion.
Coding change: c.2173del on transcript NM_021942.6 (MANE Select); coding-DNA position 2173, one base deleted (A; older notation c.2173delA).
Protein change: p.Arg725fs; shifts the reading frame from arginine 725.
Molecular consequence: frameshift variant.
Genome position (GRCh38, 1-based): chr4:183,693,083, A deleted; the last of 4 consecutive A bases (chr4:183,693,080-183,693,083); deleting any one gives the same sequence. VCF-style (leftmost placement, unchanged base first): chr4-183693079-CA-C. GRCh37 (hg19) VCF-style: chr4-184614232-CA-C.
Other names: c.2173del, p.Arg725fs (NM_199053.3); short protein forms R725fs.
Identifiers: ClinVar variation 2729079 (VCV002729079.3), dbSNP rs1252513246, ClinGen allele CA792082340.

ClinVar aggregate classification (germline): Pathogenic (1 of 4 stars; one submission).

Conditions:
Autosomal recessive limb-girdle muscular dystrophy type R18 (LGMDR18). Also called: Limb-girdle muscular dystrophy, type 2S; MUSCULAR DYSTROPHY, LIMB-GIRDLE, AUTOSOMAL RECESSIVE 18; Autosomal recessive limb-girdle muscular dystrophy type 2S. Identifiers: Orphanet 369840, MedGen C4517996, MONDO:0014144, OMIM 615356.

Submission:

Labcorp Genetics (formerly Invitae), Labcorp
Classification: Pathogenic for Autosomal recessive limb-girdle muscular dystrophy type R18. Last evaluated: 2024-07-23. Review status: criteria provided, single submitter. Criteria: Invitae Variant Classification Sherloc (09022015). Collection method: clinical testing. Allele origin: germline.
Comment: This sequence change creates a premature translational stop signal (p.Arg725Glyfs*16) in the TRAPPC11 gene. It is expected to result in an absent or disrupted protein product. Loss-of-function variants in TRAPPC11 are known to be pathogenic (PMID: 23830518, 26322222). This variant is not present in population databases (gnomAD no frequency). This variant has not been reported in the literature in individuals affected with TRAPPC11-related conditions. For these reasons, this variant has been classified as Pathogenic.

Literature cited by the submitters: PubMed 23830518; PubMed 26322222.